The following is an entry in ClinVar:

NM_001605.3(AARS1):c.2059G>C (p.Asp687His)

Gene: AARS1 (alanyl-tRNA synthetase 1; minus strand). Cytogenetic location: 16q22.1.
Variant type: single nucleotide variant.
Coding change: c.2059G>C on transcript NM_001605.3 (MANE Select); coding-DNA position 2059, G replaced by C.
Protein change: p.Asp687His; replaces aspartic acid 687 with histidine.
Molecular consequence: missense variant.
Genome position (GRCh38, 1-based): chr16:70,258,151, C>G on the plus strand (G>C on the coding strand, the complement: AARS1 is on the minus strand). VCF-style: chr16-70258151-C-G. GRCh37 (hg19) VCF-style: chr16-70292054-C-G.
Other names: short protein forms D687H.
Identifiers: ClinVar variation 1980635 (VCV001980635.4), dbSNP rs1597435277, ClinGen allele CA396557739.

ClinVar aggregate classification (germline): Uncertain significance (1 of 4 stars; one submission).

Conditions:
Charcot-Marie-Tooth disease type 2. Also called: Charcot-Marie-Tooth type 2. Identifiers: Orphanet 64746, MedGen C0270914, MONDO:0018993.

Allele frequency attached by ClinVar (database versions not stated): gnomAD exomes below 0.00001.
gnomAD v4.1: 1 of 1,611,474 alleles (0.000062%); highest among the groups gnomAD compares: Non-Finnish European, 0.000085%; no homozygotes.

Submission:

Labcorp Genetics (formerly Invitae), Labcorp
Classification: Uncertain significance for Charcot-Marie-Tooth disease type 2. Last evaluated: 2021-12-17. Review status: criteria provided, single submitter. Criteria: Invitae Variant Classification Sherloc (09022015). Collection method: clinical testing. Allele origin: germline.
Comment: This sequence change replaces aspartic acid, which is acidic and polar, with histidine, which is basic and polar, at codon 687 of the AARS protein (p.Asp687His). This variant is not present in population databases (gnomAD no frequency). This variant has not been reported in the literature in individuals affected with AARS-related conditions. Algorithms developed to predict the effect of missense changes on protein structure and function are either unavailable or do not agree on the potential impact of this missense change (SIFT: "Deleterious"; PolyPhen-2: "Probably Damaging"; Align-GVGD: "Class C0"). In summary, the available evidence is currently insufficient to determine the role of this variant in disease. Therefore, it has been classified as a Variant of Uncertain Significance.